The following is an entry in ClinVar:

NM_000292.3(PHKA2):c.2972G>C (p.Gly991Ala)

Gene: PHKA2 (phosphorylase kinase regulatory subunit alpha 2; minus strand). Cytogenetic location: Xp22.13.
Variant type: single nucleotide variant.
Coding change: c.2972G>C on transcript NM_000292.3 (MANE Select); coding-DNA position 2972, G replaced by C.
Protein change: p.Gly991Ala; replaces glycine 991 with alanine.
Molecular consequence: missense variant.
Genome position (GRCh38, 1-based): chrX:18,901,540, C>G on the plus strand (G>C on the coding strand, the complement: PHKA2 is on the minus strand). VCF-style: chrX-18901540-C-G. GRCh37 (hg19) VCF-style: chrX-18919658-C-G.
Other names: short protein forms G991A.
Identifiers: ClinVar variation 3251440 (VCV003251440.2), dbSNP rs761088614.

ClinVar aggregate classification (germline): Uncertain significance. Review status: criteria provided, multiple submitters, no conflicts (2 of 4 stars). 2 submissions from 2 submitters: Uncertain significance (2). Last evaluated 2024-04-08.

Allele frequency attached by ClinVar (database versions not stated): TOPMed below 0.00001; gnomAD 0.00001; ExAC 0.00005; gnomAD exomes 0.00009.
gnomAD v4.1: 96 of 1,207,457 alleles (0.008%); highest among the groups gnomAD compares: East Asian, 0.28%; 1 homozygote.

Submissions (2):

Women's Health and Genetics/Laboratory Corporation of America, LabCorp
Classification: Uncertain significance. Last evaluated: 2024-04-08. Review status: criteria provided, single submitter. Criteria: LabCorp Variant Classification Summary - May 2015. Collection method: clinical testing. Allele origin: germline.
Comment: Variant summary: PHKA2 c.2972G>C (p.Gly991Ala) results in a non-conservative amino acid change in the encoded protein sequence. Four of five in-silico tools predict a damaging effect of the variant on protein function. The variant allele was found at a frequency of 2.2e-05 in 183432 control chromosomes. c.2972G>C has been reported in the literature in at-least two unrelated males affected with symptomatic ketotic hypoglycemia (Glycogen Phosphorylase Kinase Deficiency) (example, Fu_2019 and Ago_2019). These data indicate that the variant may be associated with disease. At least one publication reports experimental evidence evaluating an impact on protein function. The most pronounced variant effect results in thermal instability and a lower affinity for Phosphorylase b with a Phosphorylase b kinase activity of between 50%-60% of Wild-Type levels (Ago_2019). The following publications have been ascertained in the context of this evaluation (PMID: 31392108, 34117828, 30925902). No submitters have cited clinical-significance assessments for this variant to ClinVar. Based on the evidence outlined above, the variant was classified as VUS-possibly pathogenic.

Blueprint Genetics
Classification: Uncertain significance. Last evaluated: 2020-12-17. Review status: criteria provided, single submitter. Criteria: ACMG Guidelines, 2015. Collection method: clinical testing. Allele origin: germline.

Literature cited by the submitters: PubMed 34117828 (cited by Women's Health and Genetics/Laboratory Corporation of America, LabCorp); PubMed 31392108 (cited by Women's Health and Genetics/Laboratory Corporation of America, LabCorp); PubMed 30925902 (cited by Women's Health and Genetics/Laboratory Corporation of America, LabCorp).